The following is an entry in ClinVar:

NM_001927.4(DES):c.254C>T (p.Ala85Val)

Gene: DES (desmin; plus strand). Cytogenetic location: 2q35.
Variant type: single nucleotide variant.
Coding change: c.254C>T on transcript NM_001927.4 (MANE Select); coding-DNA position 254, C replaced by T.
Protein change: p.Ala85Val; replaces alanine 85 with valine.
Molecular consequence: missense variant.
Genome position (GRCh38, 1-based): chr2:219,418,716, C>T. VCF-style: chr2-219418716-C-T. GRCh37 (hg19) VCF-style: chr2-220283438-C-T.
Other names: c.254C>T, p.Ala85Val (NM_001382708.1, NM_001382709.1, NM_001382710.1 and 3 more transcripts); short protein forms A85V.
Identifiers: ClinVar variation 2948964 (VCV002948964.3), dbSNP rs2125166130, ClinGen allele CA350684549.
Genomic context (GRCh38, chr2:219,418,716, plus strand): 5'-GCCTGGGGTCGCTGCGGGCCAGCCGGCTGGGGACCACCCGCACGCCCTCCTCCTACGGCG[C>T]AGGCGAGCTGCTGGACTTCTCACTGGCCGACGCGGTGAACCAGGAGTTTCTGACCACGCG-3'
Protein context (NP_001918.3, residues 75-95): GTTRTPSSYG[Ala85Val]GELLDFSLAD

ClinVar aggregate classification (germline): Uncertain significance (1 of 4 stars; one submission).

Conditions:
Desmin-related myofibrillar myopathy (MFM1). Also called: Desminopathy; Desmin related myopathy (former name); Desmin storage myopathy (former name); MYOFIBRILLAR MYOPATHY WITH ARRHYTHMOGENIC RIGHT VENTRICULAR CARDIOMYOPATHY; DESMIN-RELATED MYOPATHY WITH ARRHYTHMOGENIC RIGHT VENTRICULAR CARDIOMYOPATHY; Myofibrillar myopathy 1. Identifiers: Orphanet 363543, Orphanet 98909, MedGen C1832370, MONDO:0011076, OMIM 601419.

Submission:

Labcorp Genetics (formerly Invitae), Labcorp
Classification: Uncertain significance for Desmin-related myofibrillar myopathy. Last evaluated: 2023-06-17. Review status: criteria provided, single submitter. Criteria: Invitae Variant Classification Sherloc (09022015). Collection method: clinical testing. Allele origin: germline.
Comment: This variant has not been reported in the literature in individuals affected with DES-related conditions. In summary, the available evidence is currently insufficient to determine the role of this variant in disease. Therefore, it has been classified as a Variant of Uncertain Significance. Advanced modeling of protein sequence and biophysical properties (such as structural, functional, and spatial information, amino acid conservation, physicochemical variation, residue mobility, and thermodynamic stability) has been performed at Invitae for this missense variant, however the output from this modeling did not meet the statistical confidence thresholds required to predict the impact of this variant on DES protein function. This variant is not present in population databases (gnomAD no frequency). This sequence change replaces alanine, which is neutral and non-polar, with valine, which is neutral and non-polar, at codon 85 of the DES protein (p.Ala85Val).